The following is an entry in ClinVar:

ClinVar aggregate classification (germline): Uncertain significance. Review status: criteria provided, multiple submitters, no conflicts (2 of 4 stars). 3 submissions from 3 submitters: Uncertain significance (3). Last evaluated 2025-11-08.

Conditions:
CSF3R-related disorder. Also called: CSF3R-related condition.
Autosomal recessive severe congenital neutropenia due to CSF3R deficiency. Also called: Neutropenia, severe congenital, 7, autosomal recessive. Identifiers: Orphanet 420702, MedGen C4310764, MONDO:0014865, OMIM 617014.
Inborn genetic diseases. Identifiers: MedGen C0950123, MeSH D030342.

Allele frequency attached by ClinVar (database versions not stated): gnomAD exomes 0.00001; gnomAD 0.00011; TOPMed 0.00022.
gnomAD v4.1: 30 of 1,611,382 alleles (0.0019%); highest among the groups gnomAD compares: Admixed American, 0.043%; no homozygotes.

Submissions (3):

Ambry Genetics
Classification: Uncertain significance for Inborn genetic diseases. Last evaluated: 2025-11-08. Review status: criteria provided, single submitter. Criteria: Ambry Variant Classification Scheme 2023. Collection method: clinical testing. Allele origin: germline.

Labcorp Genetics (formerly Invitae), Labcorp
Classification: Uncertain significance for Autosomal recessive severe congenital neutropenia due to CSF3R deficiency. Last evaluated: 2025-10-18. Review status: criteria provided, single submitter. Criteria: Invitae Variant Classification Sherloc (09022015). Collection method: clinical testing. Allele origin: germline.
Comment: This sequence change replaces isoleucine, which is neutral and non-polar, with valine, which is neutral and non-polar, at codon 48 of the CSF3R protein (p.Ile48Val). This variant is present in population databases (no rsID available, gnomAD no frequency). This variant has not been reported in the literature in individuals affected with CSF3R-related conditions. ClinVar contains an entry for this variant (Variation ID: 1433463). Invitae Evidence Modeling of protein sequence and biophysical properties (such as structural, functional, and spatial information, amino acid conservation, physicochemical variation, residue mobility, and thermodynamic stability) indicates that this missense variant is not expected to disrupt CSF3R protein function with a negative predictive value of 80%. In summary, the available evidence is currently insufficient to determine the role of this variant in disease. Therefore, it has been classified as a Variant of Uncertain Significance.

PreventionGenetics, part of Exact Sciences
Classification: Uncertain significance for CSF3R-related condition. Last evaluated: 2025-07-03. Review status: criteria provided, single submitter. Criteria: ACMG Guidelines, 2015. Collection method: clinical testing. Allele origin: germline.
Comment: The CSF3R c.142A>G variant is predicted to result in the amino acid substitution p.Ile48Val. To our knowledge, this variant has not been reported in the literature. This variant is reported in 0.0028% of alleles in individuals of Latino descent in gnomAD. At this time, the clinical significance of this variant is uncertain due to the absence of conclusive functional and genetic evidence.

NM_000760.4(CSF3R):c.142A>G (p.Ile48Val)

Gene: CSF3R (colony stimulating factor 3 receptor; minus strand). Cytogenetic location: 1p34.3.
Variant type: single nucleotide variant.
Coding change: c.142A>G on transcript NM_000760.4 (MANE Select); coding-DNA position 142, A replaced by G.
Protein change: p.Ile48Val; replaces isoleucine 48 with valine.
Molecular consequence: missense variant.
Genome position (GRCh38, 1-based): chr1:36,475,596, T>C on the plus strand (A>G on the coding strand, the complement: CSF3R is on the minus strand). VCF-style: chr1-36475596-T-C. GRCh37 (hg19) VCF-style: chr1-36941197-T-C.
Other names: c.142A>G (NM_000760.3); c.142A>G, p.Ile48Val (NM_156039.3, NM_172313.3); short protein forms I48V.
Identifiers: ClinVar variation 1433463 (VCV001433463.11), dbSNP rs1047054210, ClinGen allele CA20752034.
Genomic context (GRCh38, chr1:36,475,596, plus strand): 5'-CTGCTCCCAGTCTCCACAGAATCTGTGGCTCCGGGTCCAGATGGCTGCAGTTCTGCTTGA[T>C]GATGCAGGAGGCTGTGATGGGATCCCCCAGGTGGACGATGGGGGCTGAGACACTGATGTG-3'
Protein context (NP_000751.1, residues 38-58): LGDPITASCI[Ile48Val]KQNCSHLDPE